The following is an entry in ClinVar:

ClinVar aggregate classification (germline): Benign. Review status: criteria provided, multiple submitters, no conflicts (2 of 4 stars). 5 submissions from 5 submitters: Benign (5). Last evaluated 2026-02-04.

Conditions:
Bethlem myopathy 1A. Also called: Bethlem myopathy 1; Bethlem Muscular Dystrophy; MYOPATHY, BENIGN CONGENITAL, WITH CONTRACTURES. Identifiers: Orphanet 610, MedGen CN029274, MONDO:0024530, OMIM 158810.

Allele frequency attached by ClinVar (database versions not stated): ESP Exome Variant Server 0.28011; gnomAD 0.31361 and 0.32131; 1000 Genomes Project 0.38958; TOPMed 0.32169; gnomAD exomes 0.34239 and 0.38256; ExAC 0.20506; 1000 Genomes Project 30x 0.38164.
gnomAD v4.1: 522,404 of 1,532,036 alleles (34%); highest among the groups gnomAD compares: East Asian, 63%; 96,516 homozygotes.

Submissions (5):

Labcorp Genetics (formerly Invitae), Labcorp
Classification: Benign for Bethlem myopathy 1A. Last evaluated: 2026-02-04. Review status: criteria provided, single submitter. Criteria: Invitae Variant Classification Sherloc (09022015). Collection method: clinical testing. Allele origin: germline.

GeneDx
Classification: Benign. Last evaluated: 2016-01-05. Review status: criteria provided, single submitter. Criteria: GeneDx Variant Classification (06012015). Collection method: clinical testing. Allele origin: germline. Affected: yes.
Comment: This variant is considered likely benign or benign based on one or more of the following criteria: it is a conservative change, it occurs at a poorly conserved position in the protein, it is predicted to be benign by multiple in silico algorithms, and/or has population frequency not consistent with disease.

Eurofins Ntd Llc (ga)
Classification: Benign. Last evaluated: 2015-12-09. Review status: criteria provided, single submitter. Criteria: EGL Classification Definitions 2015. Collection method: clinical testing. Allele origin: germline. Observed: 59 variant alleles, 43 heterozygotes, 16 homozygotes.

Breakthrough Genomics
Classification: Benign. Review status: criteria provided, single submitter. Criteria: ACMG Guidelines, 2015. Collection method: not provided. Allele origin: germline. Inheritance: Autosomal recessive inheritance. Affected: yes.

PreventionGenetics, part of Exact Sciences
Classification: Benign. Review status: criteria provided, single submitter. Criteria: ACMG Guidelines, 2015. Collection method: clinical testing. Allele origin: germline.

NM_001848.3(COL6A1):c.2434+20G>A

Gene: COL6A1 (collagen type VI alpha 1 chain; plus strand). Cytogenetic location: 21q22.3.
Variant type: single nucleotide variant.
Coding change: c.2434+20G>A on transcript NM_001848.3 (MANE Select); 20 bases into the intron after coding-DNA position 2434, G replaced by A.
Molecular consequence: intron variant.
Genome position (GRCh38, 1-based): chr21:46,002,730, G>A. VCF-style: chr21-46002730-G-A. GRCh37 (hg19) VCF-style: chr21-47422644-G-A.
Identifiers: ClinVar variation 93855 (VCV000093855.14), dbSNP rs2236486, ClinGen allele CA147371.